The following is an entry in ClinVar:

NM_000448.3(RAG1):c.1003T>C (p.Cys335Arg)

Gene: RAG1 (recombination activating 1; plus strand). Cytogenetic location: 11p12.
Variant type: single nucleotide variant.
Coding change: c.1003T>C on transcript NM_000448.3 (MANE Select); coding-DNA position 1003, T replaced by C.
Protein change: p.Cys335Arg; replaces cysteine 335 with arginine.
Molecular consequence: missense variant.
Genome position (GRCh38, 1-based): chr11:36,574,307, T>C. VCF-style: chr11-36574307-T-C. GRCh37 (hg19) VCF-style: chr11-36595857-T-C.
Other names: c.1003T>C, p.Cys335Arg (NM_001377277.1, NM_001377278.1, NM_001377279.1 and 1 more transcripts); short protein forms C335R.
Identifiers: ClinVar variation 1687492 (VCV001687492.2), dbSNP rs2133294899, ClinGen allele CA380150987.

ClinVar aggregate classification (germline): Likely pathogenic (1 of 4 stars; one submission).

Conditions:
RAG1-related disorder. Also called: RAG1-related condition; RAG1-related disorders.

Submission:

3billion
Classification: Likely pathogenic for RAG1-related disorder. Last evaluated: 2025-03-18. Review status: criteria provided, single submitter. Criteria: ACMG Guidelines, 2015. Collection method: clinical testing. Allele origin: germline. Affected: yes.
Comment: The variant is not observed in the gnomAD v4.1.0 dataset. Predicted Consequence/Location: Missense variant. In silico tool predictions suggest damaging effect of the variant on gene or gene product [REVEL: 0.89 (>=0.6, sensitivity 0.68 and specificity 0.92); 3Cnet: 0.99 (> 0.75, sensitivity 0.96 and precision 0.92)]. The same nucleotide change resulting in the same amino acid change has been previously reported to be associated with RAG1-related disorder (ClinVar ID: VCV001687492 / PMID: 30307608 / 3billion dataset). The variant has been reported to be in trans with a pathogenic variant as either compound heterozygous or homozygous in at least one similarly affected unrelated individual (PMID: 30307608, 31313695). Therefore, this variant is classified as Likely pathogenic (PS2_S, PM2_M, PP3_P) according to the recommendation of ACMG/AMP guideline.

Literature cited by the submitters: PubMed 30307608; PubMed 31313695.